The following is an entry in ClinVar:

NM_020634.3(GDF3):c.216C>T (p.Tyr72=)

Gene: GDF3 (growth differentiation factor 3; minus strand). Cytogenetic location: 12p13.31.
Variant type: single nucleotide variant.
Coding change: c.216C>T on transcript NM_020634.3 (MANE Select); coding-DNA position 216, C replaced by T.
Protein change: p.Tyr72=; no amino-acid change (tyrosine 72 retained).
Molecular consequence: synonymous variant.
Genome position (GRCh38, 1-based): chr12:7,695,513, G>A on the plus strand (C>T on the coding strand, the complement: GDF3 is on the minus strand). VCF-style: chr12-7695513-G-A. GRCh37 (hg19) VCF-style: chr12-7848109-G-A.
Other names: c.216C>T (NM_020634.2).
Identifiers: ClinVar variation 4915546 (VCV004915546.2).

ClinVar aggregate classification (germline): Likely benign. Review status: criteria provided, multiple submitters, no conflicts (2 of 4 stars). 2 submissions from 2 submitters: Likely benign (2). Last evaluated 2025-06-18.

Conditions:
GDF3-related disorder. Also called: GDF3-related condition.

gnomAD v4.1: 44 of 1,613,878 alleles (0.0027%); highest among the groups gnomAD compares: Admixed American, 0.0033%; no homozygotes.

Submissions (2):

PreventionGenetics, part of Exact Sciences
Classification: Likely benign for GDF3-related condition. Last evaluated: 2025-06-18. Review status: criteria provided, single submitter. Criteria: ACMG Guidelines, 2015. Collection method: clinical testing. Allele origin: germline.
Comment: This variant is classified as likely benign based on ACMG/AMP sequence variant interpretation guidelines (Richards et al. 2015 PMID: 25741868, with internal and published modifications).

Blueprint Genetics
Classification: Likely benign. Last evaluated: 2024-11-21. Review status: criteria provided, single submitter. Criteria: ACMG Guidelines, 2015. Collection method: clinical testing. Allele origin: germline.